The following is an entry in ClinVar:

ClinVar aggregate classification (germline): Uncertain significance (1 of 4 stars; one submission).

Submission:

Geisinger Autism and Developmental Medicine Institute, Geisinger Health System
Classification: Uncertain significance. Last evaluated: 2017-05-19. Review status: criteria provided, single submitter. Criteria: ACMG CNV Guidelines, 2011. Collection method: provider interpretation. Allele origin: unknown.
Comment: Parental samples are unavailable, so inheritance is unknown.

Single allele

Genes: CCNY (cyclin Y; plus strand), CCNY-AS1 (CCNY antisense RNA 1; minus strand), CREM (cAMP responsive element modulator; plus strand), CUL2 (cullin 2; minus strand), FZD8 (frizzled class receptor 8; minus strand) and 63 more. Cytogenetic location: 10p11.22-11.21.
Variant type: Deletion.
Identifiers: ClinVar variation 560084 (VCV000560084.3).